The following is an entry in ClinVar:

NM_003307.4(TRPM2):c.1814G>A (p.Arg605Gln)

Gene: TRPM2 (transient receptor potential cation channel subfamily M member 2; plus strand). Cytogenetic location: 21q22.3.
Variant type: single nucleotide variant.
Coding change: c.1814G>A on transcript NM_003307.4 (MANE Select); coding-DNA position 1814, G replaced by A.
Protein change: p.Arg605Gln; replaces arginine 605 with glutamine.
Molecular consequence: missense variant. On other transcripts: non-coding transcript variant (1).
Genome position (GRCh38, 1-based): chr21:44,395,433, G>A. VCF-style: chr21-44395433-G-A. GRCh37 (hg19) VCF-style: chr21-45815316-G-A.
Other names: c.1814G>A, p.Arg605Gln (NM_001320350.2, NM_001320351.2); short protein forms R605Q.
Identifiers: ClinVar variation 2652748 (VCV002652748.24), dbSNP rs558744050, ClinGen allele CA10054674.

ClinVar aggregate classification (germline): Likely benign (1 of 4 stars; one submission).

Allele frequency attached by ClinVar (database versions not stated): TOPMed 0.00002; ExAC 0.00003; gnomAD 0.00004; gnomAD exomes 0.00004; 1000 Genomes Project 0.00040; 1000 Genomes Project 30x 0.00047.
gnomAD v4.1: 60 of 1,612,754 alleles (0.0037%); highest among the groups gnomAD compares: East Asian, 0.0067%; no homozygotes.

Submission:

CeGaT Center for Human Genetics Tuebingen
Classification: Likely benign. Last evaluated: 2023-01-01. Review status: criteria provided, single submitter. Criteria: CeGaT Center For Human Genetics Tuebingen Variant Classification Criteria Version 2. Collection method: clinical testing. Allele origin: germline. Affected: yes. Observed: 1 variant allele.
Comment: TRPM2: BP4